The following is an entry in ClinVar:

NM_001374736.1(DST):c.18668del (p.Gly6223fs)

Gene: DST (dystonin; minus strand). Cytogenetic location: 6p12.1.
Variant type: Deletion.
Coding change: c.18668del on transcript NM_001374736.1 (MANE Select); coding-DNA position 18668, one base deleted (G; older notation c.18668delG).
Protein change: p.Gly6223fs; shifts the reading frame from glycine 6223.
Molecular consequence: frameshift variant.
Genome position (GRCh38, 1-based): chr6:56,511,309, C deleted on the plus strand (G on the coding strand, the reverse complement: DST is on the minus strand); the first of 2 consecutive C bases (chr6:56,511,309-56,511,310); deleting either gives the same sequence. VCF-style (leftmost placement, unchanged base first): chr6-56511308-GC-G. GRCh37 (hg19) VCF-style: chr6-56376106-GC-G.
Other names: c.12311del, p.Gly4104fs (NM_001144769.5); c.11897del, p.Gly3966fs (NM_001144770.2); c.18668del, p.Gly6223fs (NM_001374722.1); c.17708del, p.Gly5903fs (NM_001374729.1); c.11450del, p.Gly3817fs (NM_001374730.1); c.18695del, p.Gly6232fs (NM_001374734.1); c.11777del, p.Gly3926fs (NM_001386100.1, NM_183380.4); c.10799del, p.Gly3600fs (NM_015548.5); short protein forms G3817fs, G3600fs, G4104fs, G3926fs, G5903fs, G3966fs, G6223fs, G6232fs.
Identifiers: ClinVar variation 2933869 (VCV002933869.3), dbSNP rs2534369819, ClinGen allele CA2740091370.

ClinVar aggregate classification (germline): Pathogenic (1 of 4 stars; one submission).

Conditions:
Hereditary sensory and autonomic neuropathy type 6. Also called: HSAN VI; Neuropathy, hereditary sensory and autonomic, type VI. Identifiers: Orphanet 314381, MedGen C3539003, MONDO:0013839, OMIM 614653.
Epidermolysis bullosa simplex 3, localized or generalized intermediate, with BP230 deficiency (EBS3). Also called: Epidermolysis bullosa simplex, autosomal recessive 2; Epidermolysis bullosa simplex due to BP230 deficiency. Identifiers: Orphanet 412181, MedGen C3809470, MONDO:0014180, OMIM 615425.

Submission:

Labcorp Genetics (formerly Invitae), Labcorp
Classification: Pathogenic for Epidermolysis bullosa simplex 3, localized or generalized intermediate, with BP230 deficiency; Hereditary sensory and autonomic neuropathy type 6. Last evaluated: 2023-04-07. Review status: criteria provided, single submitter. Criteria: Invitae Variant Classification Sherloc (09022015). Collection method: clinical testing. Allele origin: germline.
Comment: Information on the frequency of this variant in the gnomAD database is not available, as this variant may be reported differently in the database. This sequence change creates a premature translational stop signal (p.Gly3600Alafs*43) in the DST gene. It is expected to result in an absent or disrupted protein product. Loss-of-function variants in DST are known to be pathogenic (PMID: 22522446, 25059916, 30371979). The DST gene has multiple clinically relevant transcripts. This variant occurs in alternate transcript NM_015548.4, and corresponds to NM_001723.5:*104208_*104210delinsCG in the primary transcript. For these reasons, this variant has been classified as Pathogenic. This variant has not been reported in the literature in individuals affected with DST-related conditions.

Literature cited by the submitters: PubMed 22522446; PubMed 25059916; PubMed 30371979.